The following is an entry in ClinVar:

NM_023110.3(FGFR1):c.168G>A (p.Arg56=)

Gene: FGFR1 (fibroblast growth factor receptor 1; minus strand). Cytogenetic location: 8p11.23.
Variant type: single nucleotide variant.
Coding change: c.168G>A on transcript NM_023110.3 (MANE Select); coding-DNA position 168, G replaced by A.
Protein change: p.Arg56=; no amino-acid change (arginine 56 retained).
Molecular consequence: synonymous variant. On other transcripts: intron variant (5).
Genome position (GRCh38, 1-based): chr8:38,429,872, C>T on the plus strand (G>A on the coding strand, the complement: FGFR1 is on the minus strand). VCF-style: chr8-38429872-C-T. GRCh37 (hg19) VCF-style: chr8-38287390-C-T.
Other names: c.168G>A, p.Arg56= (NM_001174063.2, NM_001174065.2, NM_001354367.2 and 2 more transcripts); c.144G>A, p.Arg48= (NM_001174064.2); c.267G>A, p.Arg89= (NM_001174067.2); c.92-1437G>A (NM_001354368.2, NM_001354370.2, NM_023106.3 and 2 more transcripts).
Identifiers: ClinVar variation 585866 (VCV000585866.15), dbSNP rs147482922, ClinGen allele CA4718864.

ClinVar aggregate classification (germline): Conflicting classifications of pathogenicity. Review status: criteria provided, conflicting classifications (1 of 4 stars). 8 submissions from 5 submitters: Uncertain significance (1); Benign (2); Likely benign (4). 1 of the submissions does not count toward it. Last evaluated 2026-05-18.

Conditions:
Hypogonadotropic hypogonadism 2 with or without anosmia (HH2). Also called: HYPOGONADOTROPIC HYPOGONADISM 2 WITHOUT ANOSMIA; HYPOGONADOTROPIC HYPOGONADISM 2 WITH OR WITHOUT ANOSMIA, SUSCEPTIBILITY TO; HYPOGONADOTROPIC HYPOGONADISM 2 WITHOUT ANOSMIA, SUSCEPTIBILITY TO; FGFR1-Related GnRH Deficiency (Kallmann Syndrome 2). Identifiers: Orphanet 478, MedGen C1563720, MONDO:0007844, OMIM 147950. Disease mechanism: loss of function.
Osteoglophonic dysplasia (OGD). Also called: Osteoglophonic dwarfism. Identifiers: Orphanet 2645, MedGen C0432283, MONDO:0008150, OMIM 166250.
Trigonocephaly 1 (TRIGNO1). Identifiers: Orphanet 3366, MedGen C0432122, MONDO:0008603, OMIM 190440.
Pfeiffer syndrome (ACS5). Also called: ACS V. Identifiers: Orphanet 710, MedGen C0220658, MONDO:0007043, OMIM 101600.
Craniosynostosis syndrome. Also called: Craniosynostosis. Identifiers: Orphanet 1531, MedGen C0010278, MeSH D003398, MONDO:0015469, HP:0001363.
FGFR1-related disorder. Also called: FGFR1-related condition; FGFR1-related disorders. Identifiers: MedGen CN380097.

Allele frequency attached by ClinVar (database versions not stated): ESP Exome Variant Server 0.00008; TOPMed 0.00018; gnomAD exomes 0.00020; gnomAD 0.00021.

Submissions (8):

Women's Health and Genetics/Laboratory Corporation of America, LabCorp
Classification: Likely benign. Last evaluated: 2026-05-18. Review status: criteria provided, single submitter. Criteria: LabCorp Variant Classification Summary - May 2015. Collection method: clinical testing. Allele origin: germline.

Labcorp Genetics (formerly Invitae), Labcorp
Classification: Likely benign for Pfeiffer syndrome; Hypogonadotropic hypogonadism 2 with or without anosmia. Last evaluated: 2025-03-18. Review status: criteria provided, single submitter. Criteria: Invitae Variant Classification Sherloc (09022015). Collection method: clinical testing. Allele origin: germline.

Athena Diagnostics
Classification: Benign. Last evaluated: 2017-09-28. Review status: criteria provided, single submitter. Criteria: Athena Diagnostics Criteria. Collection method: clinical testing. Allele origin: germline.

Illumina Laboratory Services, Illumina
Classification: Likely benign for Trigonocephaly 1. Last evaluated: 2017-04-27. Review status: criteria provided, single submitter. Criteria: ICSL Variant Classification Criteria 13 December 2019. Collection method: clinical testing. Allele origin: germline.
Comment: This variant was observed as part of a predisposition screen in an ostensibly healthy population. A literature search was performed for the gene, cDNA change, and amino acid change (where applicable). No publications were found based on this search. Allele frequency data from public databases allowed determination this variant is unlikely to cause disease. Therefore, this variant is classified as likely benign.

Illumina Laboratory Services, Illumina
Classification: Likely benign for Craniosynostosis. Last evaluated: 2017-04-27. Review status: criteria provided, single submitter. Criteria: ICSL Variant Classification Criteria 13 December 2019. Collection method: clinical testing. Allele origin: germline.
Comment: the same text as in the submission from Illumina Laboratory Services, Illumina above.

Illumina Laboratory Services, Illumina
Classification: Uncertain significance for Hypogonadotropic hypogonadism 2 with or without anosmia. Last evaluated: 2017-04-27. Review status: criteria provided, single submitter. Criteria: ICSL Variant Classification Criteria 13 December 2019. Collection method: clinical testing. Allele origin: germline.

Illumina Laboratory Services, Illumina
Classification: Benign for Osteoglophonic dysplasia. Last evaluated: 2017-04-27. Review status: criteria provided, single submitter. Criteria: ICSL Variant Classification Criteria 13 December 2019. Collection method: clinical testing. Allele origin: germline.
Comment: This variant was observed as part of a predisposition screen in an ostensibly healthy population. A literature search was performed for the gene, cDNA change, and amino acid change (where applicable). No publications were found based on this search. Allele frequency data from public databases was too high to be consistent with this variant causing disease. Therefore, this variant is classified as benign.

PreventionGenetics, part of Exact Sciences
Classification: Likely benign for FGFR1-related condition. Last evaluated: 2023-03-02. Review status: no assertion criteria provided. Collection method: clinical testing. Allele origin: germline. Not counted in ClinVar's aggregate classification.
Comment: This variant is classified as likely benign based on ACMG/AMP sequence variant interpretation guidelines (Richards et al. 2015 PMID: 25741868, with internal and published modifications).